The following is an entry in ClinVar:

ClinVar aggregate classification (germline): Likely pathogenic (0 of 4 stars; one submission).

Conditions:
Autism spectrum disorder. Also called: Autism spectrum disorders. Identifiers: MedGen C1510586, MeSH D000067877, MONDO:0005258.

Submission:

Department of Medical Genetics, Capital Institute of Pediatrics
Classification: Likely pathogenic for Autism Spectrum Disorder. Last evaluated: 2024-07-03. Review status: no assertion criteria provided. Collection method: research. Allele origin: unknown. Affected: yes.
Comment: PVS1+PM2_Supporting

Literature cited by the submitters: PubMed 39419027.

NM_001039469.3(MARK2):c.1516dup (p.Leu506fs)

Gene: MARK2 (microtubule affinity regulating kinase 2; plus strand). Cytogenetic location: 11q13.1.
Variant type: Duplication.
Coding change: c.1516dup on transcript NM_001039469.3 (MANE Select); coding-DNA position 1516, one base duplicated (C; older notation c.1516dupC).
Protein change: p.Leu506fs; shifts the reading frame from leucine 506.
Molecular consequence: frameshift variant. On other transcripts: intron variant (3).
Genome position (GRCh38, 1-based): chr11:63,903,987, C duplicated; the last of 2 consecutive C bases (chr11:63,903,986-63,903,987); duplicating either gives the same sequence. VCF-style (leftmost placement, unchanged base first): chr11-63903985-G-GC. GRCh37 (hg19) VCF-style: chr11-63671457-G-GC.
Other names: c.1516dupC (NM_001039469.3); c.1414dup, p.Leu472fs (NM_017490.4); c.1515-799dup (NM_001163296.2); c.1512-799dup (NM_004954.5, NM_001163297.2); short protein forms L472fs, L506fs.
Identifiers: ClinVar variation 3253631 (VCV003253631.2), dbSNP rs2539332826.
Genomic context (GRCh38, chr11:63,903,985, plus strand): 5'-TCCAGGCCTCCCGCCCTCACTCACCCCTAACACGGGCCTCTCCGCTGCTTTTGTTTCCTA[G>GC]CCTAACCATGCCAGGGTCCCGGGCCTCCACGGCTTCTGCTTCTGCCGCAGTCTCTGCGGC-3'